The following is an entry in ClinVar:

NM_000179.3(MSH6):c.2909G>A (p.Trp970Ter)

Gene: MSH6 (mutS homolog 6; plus strand). Cytogenetic location: 2p16.3.
Variant type: single nucleotide variant.
Coding change: c.2909G>A on transcript NM_000179.3 (MANE Select); coding-DNA position 2909, G replaced by A.
Protein change: p.Trp970Ter; replaces tryptophan 970 with a stop codon.
Molecular consequence: nonsense.
Genome position (GRCh38, 1-based): chr2:47,800,892, G>A. VCF-style: chr2-47800892-G-A. GRCh37 (hg19) VCF-style: chr2-48028031-G-A.
Other names: c.2519G>A, p.Trp840Ter (NM_001281492.2); c.2003G>A, p.Trp668Ter (NM_001281493.2, NM_001281494.2, NM_001406811.1 and 6 more transcripts); c.3005G>A, p.Trp1002Ter (NM_001406795.1, NM_001406802.1); c.2909G>A, p.Trp970Ter (NM_001406796.1, NM_001406798.1, NM_001406800.1 and 2 more transcripts); c.2612G>A, p.Trp871Ter (NM_001406797.1, NM_001406801.1, NM_001406805.1 and 10 more transcripts); c.2384G>A, p.Trp795Ter (NM_001406799.1, NM_001406806.1, NM_001406807.1); c.2831G>A, p.Trp944Ter (NM_001406804.1); c.2915G>A, p.Trp972Ter (NM_001406813.1); and 2 more; short protein forms W1002*, W285*, W668*, W795*, W840*, W871*, W914*, W944*.
Identifiers: ClinVar variation 1709888 (VCV001709888.5), dbSNP rs2104430094, ClinGen allele CA346756148.

ClinVar aggregate classification (germline): Pathogenic/Likely pathogenic. Review status: criteria provided, multiple submitters, no conflicts (2 of 4 stars). 4 submissions from 4 submitters: Pathogenic (3); Likely pathogenic (1). Last evaluated 2025-03-03.

Conditions:
Colorectal cancer. Also called: Malignant Colorectal Neoplasm; Colorectal cancer, somatic. Identifiers: MedGen C0346629, MONDO:0005575, OMIM 114500.
Hereditary nonpolyposis colorectal neoplasms. Identifiers: MedGen C0009405, MeSH D003123.
Lynch syndrome 5 (LYNCH5). Also called: Colorectal cancer, hereditary nonpolyposis, type 5; Hereditary non-polyposis colorectal cancer, type 5. Identifiers: Orphanet 144, MedGen C1833477, MONDO:0013710, OMIM 614350. Disease mechanism: loss of function.

Allele frequency attached by ClinVar (database versions not stated): gnomAD exomes below 0.00001.
gnomAD v4.1: 1 of 1,605,160 alleles (0.000062%); highest among the groups gnomAD compares: Non-Finnish European, 0.000085%; no homozygotes.

Submissions (4):

Labcorp Genetics (formerly Invitae), Labcorp
Classification: Pathogenic for Hereditary nonpolyposis colorectal neoplasms. Last evaluated: 2025-03-03. Review status: criteria provided, single submitter. Criteria: Invitae Variant Classification Sherloc (09022015). Collection method: clinical testing. Allele origin: germline.
Comment: This sequence change creates a premature translational stop signal (p.Trp970*) in the MSH6 gene. It is expected to result in an absent or disrupted protein product. Loss-of-function variants in MSH6 are known to be pathogenic (PMID: 18269114, 24362816). This variant is not present in population databases (gnomAD no frequency). This variant has not been reported in the literature in individuals affected with MSH6-related conditions. ClinVar contains an entry for this variant (Variation ID: 1709888). For these reasons, this variant has been classified as Pathogenic.

Institute of Immunology and Genetics Kaiserslautern
Classification: Pathogenic for Lynch syndrome 5. Last evaluated: 2024-06-11. Review status: criteria provided, single submitter. Criteria: ACMG Guidelines, 2015. Collection method: clinical testing. Allele origin: paternal. Affected: no.
Comment: ACMG Criteria: PM2, PVS1, PP5; Variant was found in a heterozygous state

Myriad Genetics, Inc.
Classification: Pathogenic for Lynch syndrome 5. Last evaluated: 2023-08-21. Review status: criteria provided, single submitter. Criteria: Myriad Autosomal Dominant, Autosomal Recessive and X-Linked Classification Criteria (2023). Collection method: clinical testing. Allele origin: unknown.
Comment: This variant is considered pathogenic. This variant creates a termination codon and is predicted to result in premature protein truncation.

MGZ Medical Genetics Center
Classification: Likely pathogenic for Colorectal cancer. Last evaluated: 2022-01-14. Review status: criteria provided, single submitter. Criteria: ACMG Guidelines, 2015. Collection method: clinical testing. Allele origin: germline. Affected: yes. Observed: 1 variant allele.
Comment: ACMG criteria applied: PVS1, PM2_SUP

Literature cited by the submitters: PubMed 18269114 (cited by Labcorp Genetics (formerly Invitae), Labcorp); PubMed 24362816 (cited by Labcorp Genetics (formerly Invitae), Labcorp).